The following is an entry in ClinVar:

ClinVar aggregate classification (germline): Benign/Likely benign. Review status: criteria provided, multiple submitters, no conflicts (2 of 4 stars). 3 submissions from 3 submitters: Benign (2); Likely benign (1). Last evaluated 2023-10-18.

Allele frequency attached by ClinVar (database versions not stated): gnomAD 0.19458 and 0.19911; ExAC 0.21648; TOPMed 0.19661; gnomAD exomes 0.20073 and 0.21650; 1000 Genomes Project 0.22165; ESP Exome Variant Server 0.19060; 1000 Genomes Project 30x 0.22158.
gnomAD v4.1: 324,105 of 1,614,050 alleles (20%); highest among the groups gnomAD compares: South Asian, 37%; 34,592 homozygotes.

Submissions (3):

Mayo Clinic Laboratories, Mayo Clinic
Classification: Likely benign. Last evaluated: 2023-10-18. Review status: criteria provided, single submitter. Criteria: ACMG Guidelines, 2015. Collection method: clinical testing. Allele origin: germline. Observed: 43 variant alleles.
Comment: BA1, BS2, BP4, PM1_supporting

Breakthrough Genomics
Classification: Benign. Review status: criteria provided, single submitter. Criteria: ACMG Guidelines, 2015. Collection method: not provided. Allele origin: germline. Inheritance: Autosomal recessive inheritance. Affected: yes.

PreventionGenetics, part of Exact Sciences
Classification: Benign. Review status: criteria provided, single submitter. Criteria: ACMG Guidelines, 2015. Collection method: clinical testing. Allele origin: germline.

NM_000934.4(SERPINF2):c.1301G>A (p.Arg434Lys)

Gene: SERPINF2 (serpin family F member 2; plus strand). Cytogenetic location: 17p13.3.
Variant type: single nucleotide variant.
Coding change: c.1301G>A on transcript NM_000934.4 (MANE Select); coding-DNA position 1301, G replaced by A.
Protein change: p.Arg434Lys; replaces arginine 434 with lysine.
Molecular consequence: missense variant.
Genome position (GRCh38, 1-based): chr17:1,754,359, G>A. VCF-style: chr17-1754359-G-A. GRCh37 (hg19) VCF-style: chr17-1657653-G-A.
Other names: c.1301G>A, p.Arg434Lys (NM_001165920.1); c.1109G>A, p.Arg370Lys (NM_001165921.2); short protein forms R434K, R370K.
Identifiers: ClinVar variation 256834 (VCV000256834.4), dbSNP rs1057335, ClinGen allele CA8274435.
Genomic context (GRCh38, chr17:1,754,359, plus strand): 5'-CCTTCCTCTTCTTCATCTTCGAGGACACCACAGGCCTTCCCCTCTTCGTGGGCAGCGTGA[G>A]GAACCCCAACCCCAGTGCACCGCGGGAGCTCAAGGAACAGCAGGATTCCCCGGGCAACAA-3'
Protein context (NP_000925.2, residues 424-444): TGLPLFVGSV[Arg434Lys]NPNPSAPREL